The following is an entry in ClinVar:

ClinVar aggregate classification (germline): Benign/Likely benign. Review status: criteria provided, multiple submitters, no conflicts (2 of 4 stars). 4 submissions from 4 submitters: Benign (1); Likely benign (2). 1 of the submissions does not count toward it. Last evaluated 2023-02-01.

Conditions:
NLGN4X-related disorder. Also called: NLGN4X-related condition.
Inborn genetic diseases. Identifiers: MedGen C0950123, MeSH D030342.

Allele frequency attached by ClinVar (database versions not stated): TOPMed 0.00005; gnomAD 0.00006 and 0.00007; gnomAD exomes 0.00008 and 0.00014; ESP Exome Variant Server 0.00009; ExAC 0.00016.
gnomAD v4.1: 90 of 1,209,509 alleles (0.0074%); highest among the groups gnomAD compares: Middle Eastern, 0.069%; no homozygotes.

Submissions (4):

CeGaT Center for Human Genetics Tuebingen
Classification: Likely benign. Last evaluated: 2023-02-01. Review status: criteria provided, single submitter. Criteria: CeGaT Center For Human Genetics Tuebingen Variant Classification Criteria Version 2. Collection method: clinical testing. Allele origin: germline. Affected: yes. Observed: 1 variant allele.
Comment: NLGN4X: BP4, BP7, BS2

Labcorp Genetics (formerly Invitae), Labcorp
Classification: Benign. Last evaluated: 2018-04-12. Review status: criteria provided, single submitter. Criteria: Invitae Variant Classification Sherloc (09022015). Collection method: clinical testing. Allele origin: germline.

Ambry Genetics
Classification: Likely benign for Inborn genetic diseases. Last evaluated: 2014-08-01. Review status: criteria provided, single submitter. Criteria: Ambry Variant Classification Scheme 2023. Collection method: clinical testing. Allele origin: germline.

PreventionGenetics, part of Exact Sciences
Classification: Likely benign for NLGN4X-related condition. Last evaluated: 2022-08-25. Review status: no assertion criteria provided. Collection method: clinical testing. Allele origin: germline. Not counted in ClinVar's aggregate classification.
Comment: This variant is classified as likely benign based on ACMG/AMP sequence variant interpretation guidelines (Richards et al. 2015 PMID: 25741868, with internal and published modifications).

NM_181332.3(NLGN4X):c.2178C>T (p.Asn726=)

Gene: NLGN4X (neuroligin 4 X-linked; minus strand). Cytogenetic location: Xp22.32.
Variant type: single nucleotide variant.
Coding change: c.2178C>T on transcript NM_181332.3 (MANE Select); coding-DNA position 2178, C replaced by T.
Protein change: p.Asn726=; no amino-acid change (asparagine 726 retained).
Molecular consequence: synonymous variant.
Genome position (GRCh38, 1-based): chrX:5,893,090, G>A on the plus strand (C>T on the coding strand, the complement: NLGN4X is on the minus strand). VCF-style: chrX-5893090-G-A. GRCh37 (hg19) VCF-style: chrX-5811131-G-A.
Other names: c.2178C>T, p.Asn726= (NM_001282145.2, NM_001282146.2, NM_020742.4).
Identifiers: ClinVar variation 740760 (VCV000740760.30), dbSNP rs187221748, ClinGen allele CA10340921.